The following is an entry in ClinVar:

ClinVar aggregate classification (germline): Uncertain significance. Review status: criteria provided, multiple submitters, no conflicts (2 of 4 stars). 2 submissions from 2 submitters: Uncertain significance (2). Last evaluated 2024-07-01.

Allele frequency attached by ClinVar (database versions not stated): gnomAD 0.00001; gnomAD exomes 0.00001; TOPMed 0.00002; ExAC 0.00003.
gnomAD v4.1: 11 of 1,612,972 alleles (0.00068%); highest among the groups gnomAD compares: South Asian, 0.0099%; no homozygotes.

Submissions (2):

Labcorp Genetics (formerly Invitae), Labcorp
Classification: Uncertain significance. Last evaluated: 2024-07-01. Review status: criteria provided, single submitter. Criteria: Invitae Variant Classification Sherloc (09022015). Collection method: clinical testing. Allele origin: germline.
Comment: This sequence change replaces glycine, which is neutral and non-polar, with aspartic acid, which is acidic and polar, at codon 1012 of the ABCC6 protein (p.Gly1012Asp). This variant is present in population databases (rs772505132, gnomAD 0.01%). This variant has not been reported in the literature in individuals affected with ABCC6-related conditions. ClinVar contains an entry for this variant (Variation ID: 1958849). Advanced modeling of protein sequence and biophysical properties (such as structural, functional, and spatial information, amino acid conservation, physicochemical variation, residue mobility, and thermodynamic stability) performed at Invitae indicates that this missense variant is expected to disrupt ABCC6 protein function with a positive predictive value of 95%. In summary, the available evidence is currently insufficient to determine the role of this variant in disease. Therefore, it has been classified as a Variant of Uncertain Significance.

GeneDx
Classification: Uncertain significance. Last evaluated: 2024-03-25. Review status: criteria provided, single submitter. Criteria: GeneDx Variant Classification Process June 2021. Collection method: clinical testing. Allele origin: germline. Affected: yes.
Comment: Not observed at significant frequency in large population cohorts (gnomAD); In silico analysis supports that this missense variant has a deleterious effect on protein structure/function; Has not been previously published as pathogenic or benign to our knowledge

NM_001171.6(ABCC6):c.3035G>A (p.Gly1012Asp)

Gene: ABCC6 (ATP binding cassette subfamily C member 6; minus strand). Cytogenetic location: 16p13.11.
Variant type: single nucleotide variant.
Coding change: c.3035G>A on transcript NM_001171.6 (MANE Select); coding-DNA position 3035, G replaced by A.
Protein change: p.Gly1012Asp; replaces glycine 1012 with aspartic acid.
Molecular consequence: missense variant. On other transcripts: non-coding transcript variant (1).
Genome position (GRCh38, 1-based): chr16:16,165,894, C>T on the plus strand (G>A on the coding strand, the complement: ABCC6 is on the minus strand). VCF-style: chr16-16165894-C-T. GRCh37 (hg19) VCF-style: chr16-16259751-C-T.
Other names: c.2693G>A, p.Gly898Asp (NM_001351800.1); c.3035G>A (NM_001171.5); short protein forms G898D, G1012D.
Identifiers: ClinVar variation 1958849 (VCV001958849.7), dbSNP rs772505132, ClinGen allele CA7925701.